The following is an entry in ClinVar:

NM_015480.3(NECTIN3):c.1225G>A (p.Val409Ile)

Gene: NECTIN3 (nectin cell adhesion molecule 3; plus strand). Cytogenetic location: 3q13.13.
Variant type: single nucleotide variant.
Coding change: c.1225G>A on transcript NM_015480.3 (MANE Select); coding-DNA position 1225, G replaced by A.
Protein change: p.Val409Ile; replaces valine 409 with isoleucine.
Molecular consequence: missense variant. On other transcripts: 3 prime UTR variant (1), intron variant (1).
Genome position (GRCh38, 1-based): chr3:111,133,790, G>A. VCF-style: chr3-111133790-G-A. GRCh37 (hg19) VCF-style: chr3-110852637-G-A.
Other names: c.*98G>A (NM_001243286.2); c.1000+7455G>A (NM_001243288.2); short protein forms V409I.
Identifiers: ClinVar variation 3035252 (VCV003035252.2), dbSNP rs150017735, ClinGen allele CA2533923.
Genomic context (GRCh38, chr3:111,133,790, plus strand): 5'-TTCCCATTGTCAACTTTGGCAACAATTAAGGATGACACAATTGCCACGATCATTGCTAGT[G>A]TAGTGGGTGGGGCTCTCTTCATAGTACTTGTAAGTGTTTTGGCTGGAATATTCTGCTATA-3'
Protein context (NP_056295.1, residues 399-419): DDTIATIIAS[Val409Ile]VGGALFIVLV

ClinVar aggregate classification (germline): Likely benign (0 of 4 stars; one submission).

Conditions:
NECTIN3-related disorder. Also called: NECTIN3-related condition.

Allele frequency attached by ClinVar (database versions not stated): 1000 Genomes Project 30x 0.00016; 1000 Genomes Project 0.00020; TOPMed 0.00038; gnomAD exomes 0.00049; ESP Exome Variant Server 0.00054; gnomAD 0.00062; ExAC 0.00066.
gnomAD v4.1: 818 of 1,613,998 alleles (0.051%); highest among the groups gnomAD compares: Middle Eastern, 0.13%; no homozygotes.

Submission:

PreventionGenetics, part of Exact Sciences
Classification: Likely benign for NECTIN3-related condition. Last evaluated: 2023-02-03. Review status: no assertion criteria provided. Collection method: clinical testing. Allele origin: germline.
Comment: This variant is classified as likely benign based on ACMG/AMP sequence variant interpretation guidelines (Richards et al. 2015 PMID: 25741868, with internal and published modifications).